The following is an entry in ClinVar:

NM_000875.5(IGF1R):c.809G>C (p.Arg270Thr)

Gene: IGF1R (insulin like growth factor 1 receptor; plus strand). Cytogenetic location: 15q26.3.
Variant type: single nucleotide variant.
Coding change: c.809G>C on transcript NM_000875.5 (MANE Select); coding-DNA position 809, G replaced by C.
Protein change: p.Arg270Thr; replaces arginine 270 with threonine.
Molecular consequence: missense variant.
Genome position (GRCh38, 1-based): chr15:98,891,493, G>C. VCF-style: chr15-98891493-G-C. GRCh37 (hg19) VCF-style: chr15-99434722-G-C.
Other names: c.809G>C, p.Arg270Thr (NM_001291858.2); short protein forms R270T.
Identifiers: ClinVar variation 3623693 (VCV003623693.2).

ClinVar aggregate classification (germline): Uncertain significance (1 of 4 stars; one submission).

gnomAD v4.1: 4 of 1,613,916 alleles (0.00025%); highest among the groups gnomAD compares: South Asian, 0.0044%; no homozygotes.

Submission:

Labcorp Genetics (formerly Invitae), Labcorp
Classification: Uncertain significance. Last evaluated: 2025-05-01. Review status: criteria provided, single submitter. Criteria: Invitae Variant Classification Sherloc (09022015). Collection method: clinical testing. Allele origin: germline.
Comment: This sequence change replaces arginine, which is basic and polar, with threonine, which is neutral and polar, at codon 270 of the IGF1R protein (p.Arg270Thr). This variant is present in population databases (rs774941760, gnomAD 0.006%). This variant has not been reported in the literature in individuals affected with IGF1R-related conditions. ClinVar contains an entry for this variant (Variation ID: 3623693). Invitae Evidence Modeling of protein sequence and biophysical properties (such as structural, functional, and spatial information, amino acid conservation, physicochemical variation, residue mobility, and thermodynamic stability) indicates that this missense variant is not expected to disrupt IGF1R protein function with a negative predictive value of 80%. In summary, the available evidence is currently insufficient to determine the role of this variant in disease. Therefore, it has been classified as a Variant of Uncertain Significance.